The following is an entry in ClinVar:

ClinVar aggregate classification (germline): Uncertain significance (1 of 4 stars; one submission).

Submission:

Labcorp Genetics (formerly Invitae), Labcorp
Classification: Uncertain significance. Last evaluated: 2025-12-20. Review status: criteria provided, single submitter. Criteria: Invitae Variant Classification Sherloc (09022015). Collection method: clinical testing. Allele origin: germline.
Comment: This sequence change replaces lysine, which is basic and polar, with asparagine, which is neutral and polar, at codon 3752 of the KMT2A protein (p.Lys3752Asn). This variant is not present in population databases (gnomAD no frequency). This variant has not been reported in the literature in individuals affected with KMT2A-related conditions. Invitae Evidence Modeling of protein sequence and biophysical properties (such as structural, functional, and spatial information, amino acid conservation, physicochemical variation, residue mobility, and thermodynamic stability) indicates that this missense variant is not expected to disrupt KMT2A protein function with a negative predictive value of 95%. In summary, the available evidence is currently insufficient to determine the role of this variant in disease. Therefore, it has been classified as a Variant of Uncertain Significance.

NM_001197104.2(KMT2A):c.11256G>C (p.Lys3752Asn)

Genes: KMT2A (lysine methyltransferase 2A; plus strand), TTC36-AS1 (TTC36 and KMT2A antisense RNA 1; minus strand). Cytogenetic location: 11q23.3.
Variant type: single nucleotide variant.
Coding change: c.11256G>C on transcript NM_001197104.2 (MANE Select); coding-DNA position 11256, G replaced by C.
Protein change: p.Lys3752Asn; replaces lysine 3752 with asparagine.
Molecular consequence: missense variant.
Genome position (GRCh38, 1-based): chr11:118,519,727, G>C. VCF-style: chr11-118519727-G-C. GRCh37 (hg19) VCF-style: chr11-118390442-G-C.
Other names: c.11346G>C, p.Lys3782Asn (NM_001412597.1); c.11247G>C, p.Lys3749Asn (NM_005933.4); short protein forms K3749N, K3752N, K3782N.
Identifiers: ClinVar variation 4800591 (VCV004800591.1).